The following is an entry in ClinVar:

ClinVar aggregate classification (germline): Uncertain significance (1 of 4 stars; one submission).

Submission:

Labcorp Genetics (formerly Invitae), Labcorp
Classification: Uncertain significance. Last evaluated: 2025-03-26. Review status: criteria provided, single submitter. Criteria: Invitae Variant Classification Sherloc (09022015). Collection method: clinical testing. Allele origin: germline.
Comment: This sequence change replaces threonine, which is neutral and polar, with isoleucine, which is neutral and non-polar, at codon 286 of the ZNF341 protein (p.Thr286Ile). This variant is not present in population databases (gnomAD no frequency). This variant has not been reported in the literature in individuals affected with ZNF341-related conditions. An algorithm developed to predict the effect of missense changes on protein structure and function (PolyPhen-2) suggests that this variant is likely to be tolerated. In summary, the available evidence is currently insufficient to determine the role of this variant in disease. Therefore, it has been classified as a Variant of Uncertain Significance.

NM_001282933.2(ZNF341):c.857C>T (p.Thr286Ile)

Gene: ZNF341 (zinc finger protein 341; plus strand). Cytogenetic location: 20q11.22.
Variant type: single nucleotide variant.
Coding change: c.857C>T on transcript NM_001282933.2 (MANE Select); coding-DNA position 857, C replaced by T.
Protein change: p.Thr286Ile; replaces threonine 286 with isoleucine.
Molecular consequence: missense variant. On other transcripts: non-coding transcript variant (1).
Genome position (GRCh38, 1-based): chr20:33,757,263, C>T. VCF-style: chr20-33757263-C-T. GRCh37 (hg19) VCF-style: chr20-32345069-C-T.
Other names: c.587C>T, p.Thr196Ile (NM_001282935.2); c.857C>T, p.Thr286Ile (NM_032819.5); short protein forms T196I, T286I.
Identifiers: ClinVar variation 3723518 (VCV003723518.2).